The following is an entry in ClinVar:

ClinVar aggregate classification (germline): Uncertain significance (1 of 4 stars; one submission).

Conditions:
Charcot-Marie-Tooth disease dominant intermediate C (CMTDIC). Also called: CHARCOT-MARIE-TOOTH NEUROPATHY, DOMINANT INTERMEDIATE C. Identifiers: Orphanet 100045, MedGen C1842237, MONDO:0012012, OMIM 608323.

Submission:

Labcorp Genetics (formerly Invitae), Labcorp
Classification: Uncertain significance for Charcot-Marie-Tooth disease dominant intermediate C. Last evaluated: 2022-10-03. Review status: criteria provided, single submitter. Criteria: Invitae Variant Classification Sherloc (09022015). Collection method: clinical testing. Allele origin: germline.
Comment: In summary, the available evidence is currently insufficient to determine the role of this variant in disease. Therefore, it has been classified as a Variant of Uncertain Significance. This sequence change replaces glutamic acid, which is acidic and polar, with lysine, which is basic and polar, at codon 239 of the YARS protein (p.Glu239Lys). This variant is not present in population databases (gnomAD no frequency). This variant has not been reported in the literature in individuals affected with YARS-related conditions. Advanced modeling of protein sequence and biophysical properties (such as structural, functional, and spatial information, amino acid conservation, physicochemical variation, residue mobility, and thermodynamic stability) performed at Invitae indicates that this missense variant is not expected to disrupt YARS protein function.

NM_003680.4(YARS1):c.715G>A (p.Glu239Lys)

Genes: YARS1 (tyrosyl-tRNA synthetase 1; minus strand), LOC126805688 (BRD4-independent group 4 enhancer GRCh37_chr1:33251929-33253128; plus strand). Cytogenetic location: 1p35.1.
Variant type: single nucleotide variant.
Coding change: c.715G>A on transcript NM_003680.4 (MANE Select); coding-DNA position 715, G replaced by A.
Protein change: p.Glu239Lys; replaces glutamic acid 239 with lysine.
Molecular consequence: missense variant.
Genome position (GRCh38, 1-based): chr1:32,787,045, C>T on the plus strand (G>A on the coding strand, the complement: YARS1 is on the minus strand). VCF-style: chr1-32787045-C-T. GRCh37 (hg19) VCF-style: chr1-33252646-C-T.
Other names: short protein forms E239K.
Identifiers: ClinVar variation 2147607 (VCV002147607.4), dbSNP rs2523373349, ClinGen allele CA339685384.